The following is an entry in ClinVar:

NM_001065.4(TNFRSF1A):c.1361T>C (p.Leu454Pro)

Gene: TNFRSF1A (TNF receptor superfamily member 1A; minus strand). Cytogenetic location: 12p13.31.
Variant type: single nucleotide variant.
Coding change: c.1361T>C on transcript NM_001065.4 (MANE Select); coding-DNA position 1361, T replaced by C.
Protein change: p.Leu454Pro; replaces leucine 454 with proline.
Molecular consequence: missense variant. On other transcripts: non-coding transcript variant (1).
Genome position (GRCh38, 1-based): chr12:6,329,319, A>G on the plus strand (T>C on the coding strand, the complement: TNFRSF1A is on the minus strand). VCF-style: chr12-6329319-A-G. GRCh37 (hg19) VCF-style: chr12-6438485-A-G.
Other names: c.1037T>C, p.Leu346Pro (NM_001346091.2); c.902T>C, p.Leu301Pro (NM_001346092.2); short protein forms L301P, L346P, L454P.
Identifiers: ClinVar variation 3635054 (VCV003635054.2).

ClinVar aggregate classification (germline): Uncertain significance (1 of 4 stars; one submission).

Conditions:
TNF receptor-associated periodic fever syndrome (TRAPS) (FPF). Also called: FAMILIAL HIBERNIAN FEVER; TNF RECEPTOR-ASSOCIATED PERIODIC SYNDROME; TUMOR NECROSIS FACTOR RECEPTOR-ASSOCIATED PERIODIC SYNDROME; Autosomal Dominant Familial Periodic Fever; TNF Receptor-Associated Periodic Fever Syndrome; TNF receptor 1-associated periodic fever syndrome. Identifiers: Orphanet 32960, MedGen C1275126, MONDO:0007727, OMIM 142680.

Submission:

Labcorp Genetics (formerly Invitae), Labcorp
Classification: Uncertain significance for TNF receptor-associated periodic fever syndrome (TRAPS). Last evaluated: 2024-07-12. Review status: criteria provided, single submitter. Criteria: Invitae Variant Classification Sherloc (09022015). Collection method: clinical testing. Allele origin: germline.
Comment: This sequence change replaces leucine, which is neutral and non-polar, with proline, which is neutral and non-polar, at codon 454 of the TNFRSF1A protein (p.Leu454Pro). This variant is not present in population databases (gnomAD no frequency). This variant has not been reported in the literature in individuals affected with TNFRSF1A-related conditions. Advanced modeling of protein sequence and biophysical properties (such as structural, functional, and spatial information, amino acid conservation, physicochemical variation, residue mobility, and thermodynamic stability) performed at Invitae indicates that this missense variant is not expected to disrupt TNFRSF1A protein function with a negative predictive value of 95%. In summary, the available evidence is currently insufficient to determine the role of this variant in disease. Therefore, it has been classified as a Variant of Uncertain Significance.